The following is an entry in ClinVar:

ClinVar aggregate classification (germline): Uncertain significance (1 of 4 stars; one submission).

Conditions:
Intellectual developmental disorder with dysmorphic facies and ptosis (IDDDFP). Identifiers: Orphanet 698090, MedGen C4310617, MONDO:0015022, OMIM 617333.

gnomAD v4.1: 4 of 1,614,208 alleles (0.00025%); highest among the groups gnomAD compares: African/African-American, 0.0013%; no homozygotes.

Submission:

Victorian Clinical Genetics Services, Murdoch Childrens Research Institute
Classification: Uncertain significance for Intellectual developmental disorder with dysmorphic facies and ptosis. Last evaluated: 2022-02-02. Review status: criteria provided, single submitter. Criteria: ACMG Guidelines, 2015. Collection method: clinical testing. Allele origin: germline. Inheritance: Autosomal dominant inheritance.
Comment: Based on the classification scheme VCGS_Germline_v1.3.4, this variant is classified as VUS-3C Following criteria are met: 0102 - Loss of function is a known mechanism of disease in this gene and is associated with intellectual developmental disorder with dysmorphic facies and ptosis (MIM#617333). (I) 0107 - This gene is associated with autosomal dominant disease. (I) 0200 - Variant is predicted to result in a missense amino acid change from asparagine to serine. (I) 0251 - This variant is heterozygous. (I) 0301 - Variant is absent from gnomAD (both v2 and v3). (SP) 0309 - An alternative amino acid change at the same position has been observed in gnomAD (v2) (p.(Asn651Asp): 1 heterozygote, 0 homozygotes). (I) 0503 - Missense variant consistently predicted to be tolerated by multiple in silico tools or not conserved in placental mammals with a minor amino acid change. (SB) 0600 - Variant is located in the annotated bromodomain involved in the interaction with MEAF6 and ING5 proteins in this gene (UniProt). (I) 0705 - No comparable missense variants have previous evidence for pathogenicity. (I) 0807 - This variant has no previous evidence of pathogenicity. (I) 0905 - No published segregation evidence has been identified for this variant. (I) 1007 - No published functional evidence has been identified for this variant. (I) 1208 - Inheritance information for this variant is not currently available in this individual. (I) Legend: (SP) - Supporting pathogenic, (I) - Information, (SB) - Supporting benign

NM_001003694.2(BRPF1):c.1952A>G (p.Asn651Ser)

Gene: BRPF1 (bromodomain and PHD finger containing 1; plus strand). Cytogenetic location: 3p25.3.
Variant type: single nucleotide variant.
Coding change: c.1952A>G on transcript NM_001003694.2 (MANE Select); coding-DNA position 1952, A replaced by G.
Protein change: p.Asn651Ser; replaces asparagine 651 with serine.
Molecular consequence: missense variant. On other transcripts: non-coding transcript variant (1).
Genome position (GRCh38, 1-based): chr3:9,742,122, A>G. VCF-style: chr3-9742122-A-G. GRCh37 (hg19) VCF-style: chr3-9783806-A-G.
Other names: c.1952A>G, p.Asn651Ser (NM_001319049.2, NM_001319050.2, NM_001410704.1 and 1 more transcripts); short protein forms N651S.
Identifiers: ClinVar variation 1805054 (VCV001805054.1), dbSNP rs2077041852, ClinGen allele CA351692431.